The following is an entry in ClinVar:

ClinVar aggregate classification (germline): Uncertain significance (1 of 4 stars; one submission).

Submission:

Labcorp Genetics (formerly Invitae), Labcorp
Classification: Uncertain significance. Last evaluated: 2023-04-18. Review status: criteria provided, single submitter. Criteria: Invitae Variant Classification Sherloc (09022015). Collection method: clinical testing. Allele origin: germline.
Comment: In summary, the available evidence is currently insufficient to determine the role of this variant in disease. Therefore, it has been classified as a Variant of Uncertain Significance. Experimental studies and prediction algorithms are not available or were not evaluated, and the functional significance of this variant is currently unknown. This variant has not been reported in the literature in individuals affected with COL4A1-related conditions. This variant is not present in population databases (gnomAD no frequency). This variant occurs in a non-coding region of the COL4A1 gene. It does not change the encoded amino acid sequence of the COL4A1 protein.

NM_001845.6(COL4A1):c.*31G>A

Gene: COL4A1 (collagen type IV alpha 1 chain; minus strand). Cytogenetic location: 13q34.
Variant type: single nucleotide variant.
Coding change: c.*31G>A on transcript NM_001845.6 (MANE Select); 31 bases downstream of the stop codon, G replaced by A.
Molecular consequence: 3 prime UTR variant.
Genome position (GRCh38, 1-based): chr13:110,150,332, C>T on the plus strand (G>A on the coding strand, the complement: COL4A1 is on the minus strand). VCF-style: chr13-110150332-C-T. GRCh37 (hg19) VCF-style: chr13-110802679-C-T.
Identifiers: ClinVar variation 2827593 (VCV002827593.3), dbSNP rs2138415342, ClinGen allele CA2739277713.